The following is an entry in ClinVar:

NM_080425.4(GNAS):c.1932G>A (p.Lys644=)

Gene: GNAS (GNAS complex locus; plus strand). Cytogenetic location: 20q13.32.
Variant type: single nucleotide variant.
Coding change: c.1932G>A on transcript NM_080425.4 (MANE Plus Clinical); coding-DNA position 1932, G replaced by A.
Protein change: p.Lys644=; no amino-acid change (lysine 644 retained).
Molecular consequence: synonymous variant. On other transcripts: missense variant (2), intron variant (3).
Genome position (GRCh38, 1-based): chr20:58,855,197, G>A. VCF-style: chr20-58855197-G-A. GRCh37 (hg19) VCF-style: chr20-57430252-G-A.
Other names: c.1745G>A, p.Ser582Asn (NM_001077490.3, NM_001309883.1); c.1932G>A, p.Lys644= (NM_001410913.1); c.*42+14311G>A (NM_016592.5); c.43+14311G>A (NM_001410912.1); c.-39+13322G>A (NM_001309861.2); short protein forms S582N.
Identifiers: ClinVar variation 3355503 (VCV003355503.1).
Genomic context (GRCh38, chr20:58,855,197, plus strand): 5'-GAGTCCCCAGCCCAAAGCCTCGCGCTCTCTCAAGGTCAAGAAGGTACCCCTGGCGGAGAA[G>A]CGCAGACAGATGCGCAAAGAAGCCCTGGAGAAGCGGGCCCAGAAGCGCGCAGAGAAGAAA-3'
Protein context (NP_536350.2, residues 634-654): LKVKKVPLAE[Lys644=]RRQMRKEALE

ClinVar aggregate classification (germline): Uncertain significance (0 of 4 stars; one submission).

Conditions:
GNAS-related disorder. Identifiers: MedGen CN380105.

gnomAD v4.1: 6 of 1,604,284 alleles (0.00037%); highest among the groups gnomAD compares: Non-Finnish European, 0.00034%; no homozygotes.

Submission:

PreventionGenetics, part of Exact Sciences
Classification: Uncertain significance for GNAS-related condition. Last evaluated: 2023-11-01. Review status: no assertion criteria provided. Collection method: clinical testing. Allele origin: germline.
Comment: The GNAS c.1745G>A variant is predicted to result in the amino acid substitution p.Ser582Asn. To our knowledge, this variant has not been reported in the literature or in a large population database, indicating this variant is rare. At this time, the clinical significance of this variant is uncertain due to the absence of conclusive functional and genetic evidence.